The following is an entry in ClinVar:

ClinVar aggregate classification (germline): Uncertain significance (1 of 4 stars; one submission).

gnomAD v4.1: 2 of 1,613,930 alleles (0.00012%); highest among the groups gnomAD compares: South Asian, 0.0011%; no homozygotes.

Submission:

Labcorp Genetics (formerly Invitae), Labcorp
Classification: Uncertain significance. Last evaluated: 2024-12-07. Review status: criteria provided, single submitter. Criteria: Invitae Variant Classification Sherloc (09022015). Collection method: clinical testing. Allele origin: germline.
Comment: This sequence change replaces tyrosine, which is neutral and polar, with histidine, which is basic and polar, at codon 58 of the SLC44A4 protein (p.Tyr58His). This variant is present in population databases (rs767151503, gnomAD 0.003%). This variant has not been reported in the literature in individuals affected with SLC44A4-related conditions. Invitae Evidence Modeling of protein sequence and biophysical properties (such as structural, functional, and spatial information, amino acid conservation, physicochemical variation, residue mobility, and thermodynamic stability) indicates that this missense variant is not expected to disrupt SLC44A4 protein function with a negative predictive value of 80%. In summary, the available evidence is currently insufficient to determine the role of this variant in disease. Therefore, it has been classified as a Variant of Uncertain Significance.

NM_025257.3(SLC44A4):c.172T>C (p.Tyr58His)

Gene: SLC44A4 (solute carrier family 44 member 4; minus strand). Cytogenetic location: 6p21.33.
Variant type: single nucleotide variant.
Coding change: c.172T>C on transcript NM_025257.3 (MANE Select); coding-DNA position 172, T replaced by C.
Protein change: p.Tyr58His; replaces tyrosine 58 with histidine.
Molecular consequence: missense variant. On other transcripts: 5 prime UTR variant (1).
Genome position (GRCh38, 1-based): chr6:31,875,922, A>G on the plus strand (T>C on the coding strand, the complement: SLC44A4 is on the minus strand). VCF-style: chr6-31875922-A-G. GRCh37 (hg19) VCF-style: chr6-31843699-A-G.
Other names: c.172T>C, p.Tyr58His (NM_001178044.2); c.-57T>C (NM_001178045.2); short protein forms Y58H.
Identifiers: ClinVar variation 3679840 (VCV003679840.2).
Genomic context (GRCh38, chr6:31,875,922, plus strand): 5'-CCATGCCACAGTAGGCCCCAGTAGAGTTCCTGGGGTAGAGGACTTGCCGGGGGTCTCCAT[A>G]CAACCAGGCTGCAGACAGAGGCACAGATGAGTCATTGGAGGGCAGGGACTTAGTGGGGCA-3'
Protein context (NP_079533.2, residues 48-68): YIVVGIVAWL[Tyr58His]GDPRQVLYPR